The following is an entry in ClinVar:

NM_003839.4(TNFRSF11A):c.1349G>C (p.Arg450Pro)

Gene: TNFRSF11A (TNF receptor superfamily member 11a; plus strand). Cytogenetic location: 18q21.33.
Variant type: single nucleotide variant.
Coding change: c.1349G>C on transcript NM_003839.4 (MANE Select); coding-DNA position 1349, G replaced by C.
Protein change: p.Arg450Pro; replaces arginine 450 with proline.
Molecular consequence: missense variant. On other transcripts: intron variant (3).
Genome position (GRCh38, 1-based): chr18:62,369,266, G>C. VCF-style: chr18-62369266-G-C. GRCh37 (hg19) VCF-style: chr18-60036499-G-C.
Other names: c.1307G>C, p.Arg436Pro (NM_001278268.2); c.783+2506G>C (NM_001270949.2); c.730+7473G>C (NM_001270950.2); c.616+9217G>C (NM_001270951.2); short protein forms R436P, R450P.
Identifiers: ClinVar variation 1981231 (VCV001981231.4), dbSNP rs760995590, ClinGen allele CA402617794.

ClinVar aggregate classification (germline): Uncertain significance (1 of 4 stars; one submission).

gnomAD v4.1: 3 of 1,613,408 alleles (0.00019%); highest among the groups gnomAD compares: Non-Finnish European, 0.00025%; no homozygotes.

Submission:

Labcorp Genetics (formerly Invitae), Labcorp
Classification: Uncertain significance. Last evaluated: 2025-05-11. Review status: criteria provided, single submitter. Criteria: Invitae Variant Classification Sherloc (09022015). Collection method: clinical testing. Allele origin: germline.
Comment: This sequence change replaces arginine, which is basic and polar, with proline, which is neutral and non-polar, at codon 450 of the TNFRSF11A protein (p.Arg450Pro). This variant is not present in population databases (gnomAD no frequency). This variant has not been reported in the literature in individuals affected with TNFRSF11A-related conditions. ClinVar contains an entry for this variant (Variation ID: 1981231). An algorithm developed to predict the effect of missense changes on protein structure and function (PolyPhen-2) suggests that this variant is likely to be disruptive. In summary, the available evidence is currently insufficient to determine the role of this variant in disease. Therefore, it has been classified as a Variant of Uncertain Significance.